The following is an entry in ClinVar:

NM_000053.4(ATP7B):c.3332G>A (p.Gly1111Asp)

Gene: ATP7B (ATPase copper transporting beta; minus strand). Cytogenetic location: 13q14.3.
Variant type: single nucleotide variant.
Coding change: c.3332G>A on transcript NM_000053.4 (MANE Select); coding-DNA position 3332, G replaced by A.
Protein change: p.Gly1111Asp; replaces glycine 1111 with aspartic acid.
Molecular consequence: missense variant.
Genome position (GRCh38, 1-based): chr13:51,942,466, C>T on the plus strand (G>A on the coding strand, the complement: ATP7B is on the minus strand). VCF-style: chr13-51942466-C-T. GRCh37 (hg19) VCF-style: chr13-52516602-C-T.
Other names: p.Gly1111Asp; c.2711G>A, p.Gly904Asp (NM_001005918.3); c.2999G>A, p.Gly1000Asp (NM_001243182.2); c.3098G>A, p.Gly1033Asp (NM_001330578.2); c.3080G>A, p.Gly1027Asp (NM_001330579.2); short protein forms G1027D, G1000D, G1111D, G904D, G1033D.
Identifiers: ClinVar variation 881368 (VCV000881368.34), dbSNP rs182659444, ClinGen allele CA6988736.

ClinVar aggregate classification (germline): Uncertain significance. Review status: criteria provided, multiple submitters, no conflicts (2 of 4 stars). 16 submissions from 16 submitters: Uncertain significance (14). 2 of the submissions do not count toward it. Last evaluated 2026-06-17.

Conditions:
ATP7B-related disorder. Also called: ATP7B-related condition.
Wilson disease (WND). Also called: Wilson's disease. Identifiers: Orphanet 905, MedGen C0019202, MONDO:0010200, OMIM 277900. Disease mechanism: loss of function.
Inborn genetic diseases. Identifiers: MedGen C0950123, MeSH D030342.

Allele frequency attached by ClinVar (database versions not stated): gnomAD 0.00004 and 0.00007; TOPMed 0.00006; 1000 Genomes Project 30x 0.00016; ESP Exome Variant Server 0.00016; gnomAD exomes 0.00018; ExAC 0.00019; 1000 Genomes Project 0.00020.
gnomAD v4.1: 151 of 1,614,224 alleles (0.0094%); highest among the groups gnomAD compares: Middle Eastern, 0.099%; no homozygotes.

Submissions (16):

Women's Health and Genetics/Laboratory Corporation of America, LabCorp
Classification: Uncertain significance. Last evaluated: 2026-06-17. Review status: criteria provided, single submitter. Criteria: LabCorp Variant Classification Summary - May 2015. Collection method: clinical testing. Allele origin: germline.
Comment: Variant summary: ATP7B c.3332G>A (p.Gly1111Asp) results in a non-conservative amino acid change located in the P-type ATPase, haloacid dehalogenase domain (IPR044492) of the encoded protein sequence. Algorithms developed to predict the effect of missense changes on protein structure and function are either unavailable or do not agree on the potential impact of this missense change. The variant allele was found at a frequency of 0.00018 in 249578 control chromosomes. This frequency is not significantly higher than estimated for disease-causing variants in ATP7B, allowing no conclusion about variant significance. c.3332G>A has been observed in the heterozygous state in individuals with ATP7B-related conditions (e.g. Vrabelova_2005, Cocco_2009, Ferenci_2019). These report(s) do not provide unequivocal conclusions about association of the variant with disease. One publication reports experimental evidence evaluating an impact on protein function, showing reduced reduced cellular expression and copper transport activity activity (Calvo_2025), however, does not allow convincing conclusions about the variant effect. The following publications have been ascertained in the context of this evaluation (PMID: 40661833, 19514071, 30232804, 15967699). ClinVar contains an entry for this variant (Variation ID: 881368). Based on the evidence outlined above, the variant was classified as uncertain significance.

Myriad Genetics, Inc.
Classification: Uncertain significance for Wilson disease. Last evaluated: 2026-04-29. Review status: criteria provided, single submitter. Criteria: Myriad Autosomal Dominant, Autosomal Recessive and X-Linked Classification Criteria (2023). Collection method: clinical testing. Allele origin: unknown.
Comment: NM_000053.3(ATP7B):c.3332G>A(G1111D) is a missense variant classified as a variant of uncertain significance in the context of Wilson disease. G1111D has been observed in cases with relevant disease (PMID: 15967699, 30232804). Relevant functional assessments of this variant are not available in the literature. G1111D has been observed in referenced population frequency databases. In summary, there is insufficient evidence to classify NM_000053.3(ATP7B):c.3332G>A(G1111D) as pathogenic or benign. Please note: this variant was assessed in the context of healthy population screening.

Mayo Clinic Laboratories, Mayo Clinic
Classification: Uncertain significance. Last evaluated: 2025-12-15. Review status: criteria provided, single submitter. Criteria: ACMG Guidelines, 2015. Collection method: clinical testing. Allele origin: germline. Observed: 1 variant allele.
Comment: BS1

GeneDx
Classification: Uncertain significance. Last evaluated: 2025-07-08. Review status: criteria provided, single submitter. Criteria: GeneDx Variant Classification Process June 2021. Collection method: clinical testing. Allele origin: germline. Affected: yes.
Comment: Reported with limited clinical information in published literature in an individual with Wilson disease (PMID: 15967699); In silico analysis suggests that this missense variant does not alter protein structure/function; This variant is associated with the following publications: (PMID: 25525159, 22692182, 12515040, 18371106, 34426522, 23029640, 15967699, 30232804)

Color Diagnostics, LLC DBA Color Health
Classification: Uncertain significance for Wilson disease. Last evaluated: 2025-06-05. Review status: criteria provided, single submitter. Criteria: ACMG Guidelines, 2015. Collection method: clinical testing. Allele origin: germline.
Comment: This missense variant replaces glycine with aspartic acid at codon 1111 of the ATP7B protein. Computational prediction is inconclusive regarding the impact of this variant on protein structure and function. Functional studies have shown this variant disrupts intracytoplasmic copper transport function (PMID: 15967699, 19514071). This variant has been reported in unknown zygosity in an individual with Wilson disease (PMID: 12515040, 15967699) and in an individual with acquired hepatocerebral degeneration (PMID: 19514071). This variant has been identified in 47/280988 chromosomes in the general population by the Genome Aggregation Database (gnomAD). The available evidence is insufficient to determine the role of this variant in disease conclusively. Therefore, this variant is classified as a Variant of Uncertain Significance.

All of Us Research Program, National Institutes of Health
Classification: Uncertain significance for Wilson disease. Last evaluated: 2024-09-23. Review status: criteria provided, single submitter. Criteria: ACMG Guidelines, 2015. Collection method: clinical testing. Allele origin: germline. Inheritance: Autosomal recessive inheritance. Observed: 33 variant alleles, 33 heterozygotes.
Comment: This missense variant replaces glycine with aspartic acid at codon 1111 of the ATP7B protein. Computational prediction is inconclusive regarding the impact of this variant on protein structure and function (internally defined REVEL score threshold 0.5 < inconclusive < 0.7, PMID: 27666373). Functional studies have shown this variant impaired intracytoplasmic copper transport (PMID: 15967699, 19514071). This variant has been reported in individuals affected with Wilson disease (PMID: 12515040, 15967699) or acquired hepatocerebral degeneration (PMID: 19514071). This variant has been identified in 47/280988 chromosomes in the general population by the Genome Aggregation Database (gnomAD). The available evidence is insufficient to determine the role of this variant in disease conclusively. Therefore, this variant is classified as a Variant of Uncertain Significance.

This study involves interpretation of variants in research participants for the purpose of population health screening. Participant phenotype was not available at the time of variant classification. Additional details can be found in publication PMID: 35346344, PMCID: PMC8962531

Blueprint Genetics
Classification: Uncertain significance. Last evaluated: 2024-09-23. Review status: criteria provided, single submitter. Criteria: ACMG Guidelines, 2015. Collection method: clinical testing. Allele origin: germline.

Fulgent Genetics
Classification: Uncertain significance for Wilson disease. Last evaluated: 2024-04-20. Review status: criteria provided, single submitter. Criteria: ACMG Guidelines, 2015. Collection method: clinical testing. Allele origin: germline.

Labcorp Genetics (formerly Invitae), Labcorp
Classification: Uncertain significance for Wilson disease. Last evaluated: 2022-10-24. Review status: criteria provided, single submitter. Criteria: Invitae Variant Classification Sherloc (09022015). Collection method: clinical testing. Allele origin: germline.
Comment: This sequence change replaces glycine, which is neutral and non-polar, with aspartic acid, which is acidic and polar, at codon 1111 of the ATP7B protein (p.Gly1111Asp). This variant is present in population databases (rs182659444, gnomAD 0.1%). This missense change has been observed in individual(s) with ATP7B-related conditions (PMID: 12515040, 19514071, 30232804). ClinVar contains an entry for this variant (Variation ID: 881368). Advanced modeling of protein sequence and biophysical properties (such as structural, functional, and spatial information, amino acid conservation, physicochemical variation, residue mobility, and thermodynamic stability) performed at Invitae indicates that this missense variant is not expected to disrupt ATP7B protein function. In summary, the available evidence is currently insufficient to determine the role of this variant in disease. Therefore, it has been classified as a Variant of Uncertain Significance.

Ambry Genetics
Classification: Uncertain significance for Inborn genetic diseases. Last evaluated: 2022-04-18. Review status: criteria provided, single submitter. Criteria: Ambry Variant Classification Scheme 2023. Collection method: clinical testing. Allele origin: germline.

Genome-Nilou Lab
Classification: Uncertain significance for Wilson disease. Last evaluated: 2021-07-22. Review status: criteria provided, single submitter. Criteria: ACMG Guidelines, 2015. Collection method: clinical testing. Allele origin: germline. Affected: no.

Revvity Omics, Revvity
Classification: Uncertain significance for Wilson disease. Last evaluated: 2020-08-27. Review status: criteria provided, single submitter. Criteria: ACMG Guidelines, 2015. Collection method: clinical testing. Allele origin: germline.

Illumina Laboratory Services, Illumina
Classification: Uncertain significance for Wilson disease. Last evaluated: 2017-04-27. Review status: criteria provided, single submitter. Criteria: ICSL Variant Classification Criteria 13 December 2019. Collection method: clinical testing. Allele origin: germline.

Breakthrough Genomics
Classification: Uncertain significance. Review status: criteria provided, single submitter. Criteria: ACMG Guidelines, 2015. Collection method: not provided. Allele origin: germline. Inheritance: Autosomal recessive inheritance. Affected: yes.

PreventionGenetics, part of Exact Sciences
Classification: Uncertain significance for ATP7B-related condition. Last evaluated: 2024-01-16. Review status: no assertion criteria provided. Collection method: clinical testing. Allele origin: germline. Not counted in ClinVar's aggregate classification.
Comment: The ATP7B c.3332G>A variant is predicted to result in the amino acid substitution p.Gly1111Asp. This variant was reported in an individual undergoing genetic testing for Wilson disease (Vrabelova et al. 2005. PubMed ID: 15967699). This variant is reported in 0.14% of alleles in individuals of Ashkenazi Jewish descent in gnomAD. Although we suspect that this variant may be pathogenic, at this time, the clinical significance of this variant is uncertain due to the absence of conclusive functional and genetic evidence.

Natera, Inc.
Classification: Uncertain significance for Wilson disease. Last evaluated: 2020-02-14. Review status: no assertion criteria provided. Collection method: clinical testing. Allele origin: germline. Not counted in ClinVar's aggregate classification.

Literature cited by the submitters: PubMed 15967699 (cited by 4 submitters); PubMed 30232804 (cited by 3 submitters); PubMed 19514071 (cited by 4 submitters); PubMed 40661833 (cited by Women's Health and Genetics/Laboratory Corporation of America, LabCorp); PubMed 22692182 (cited by Mayo Clinic Laboratories, Mayo Clinic); PubMed 25525159 (cited by Mayo Clinic Laboratories, Mayo Clinic); PubMed 34426522 (cited by Mayo Clinic Laboratories, Mayo Clinic); PubMed 12515040 (cited by 3 submitters).